The following is an entry in ClinVar:

ClinVar aggregate classification (germline): Uncertain significance. Review status: criteria provided, multiple submitters, no conflicts (2 of 4 stars). 2 submissions from 2 submitters: Uncertain significance (2). Last evaluated 2022-07-24.

Conditions:
Hereditary cancer-predisposing syndrome. Also called: Tumor predisposition; Hereditary Cancer Syndrome; Hereditary neoplastic syndrome; Neoplastic Syndromes, Hereditary. Identifiers: Orphanet 140162, MedGen C0027672, MeSH D009386, MONDO:0015356.

Submissions (2):

Ambry Genetics
Classification: Uncertain significance for Hereditary cancer-predisposing syndrome. Last evaluated: 2022-07-24. Review status: criteria provided, single submitter. Criteria: Ambry Variant Classification Scheme 2023. Collection method: clinical testing. Allele origin: germline.
Comment: The p.P703Q variant (also known as c.2108C>A), located in coding exon 19 of the POLE gene, results from a C to A substitution at nucleotide position 2108. The proline at codon 703 is replaced by glutamine, an amino acid with similar properties. This amino acid position is conserved. In addition, this alteration is predicted to be tolerated by in silico analysis. Since supporting evidence is limited at this time, the clinical significance of this alteration remains unclear.

Labcorp Genetics (formerly Invitae), Labcorp
Classification: Uncertain significance. Last evaluated: 2021-04-27. Review status: criteria provided, single submitter. Criteria: Invitae Variant Classification Sherloc (09022015). Collection method: clinical testing. Allele origin: germline.
Comment: In summary, the available evidence is currently insufficient to determine the role of this variant in disease. Therefore, it has been classified as a Variant of Uncertain Significance. Algorithms developed to predict the effect of missense changes on protein structure and function are either unavailable or do not agree on the potential impact of this missense change (SIFT: "Deleterious"; PolyPhen-2: "Possibly Damaging"; Align-GVGD: "Class C0"). This variant has not been reported in the literature in individuals with POLE-related conditions. This variant is not present in population databases (ExAC no frequency). This sequence change replaces proline with glutamine at codon 703 of the POLE protein (p.Pro703Gln). The proline residue is highly conserved and there is a moderate physicochemical difference between proline and glutamine.

NM_006231.4(POLE):c.2108C>A (p.Pro703Gln)

Gene: POLE (DNA polymerase epsilon, catalytic subunit; minus strand). Cytogenetic location: 12q24.33.
Variant type: single nucleotide variant.
Coding change: c.2108C>A on transcript NM_006231.4 (MANE Select); coding-DNA position 2108, C replaced by A.
Protein change: p.Pro703Gln; replaces proline 703 with glutamine.
Molecular consequence: missense variant.
Genome position (GRCh38, 1-based): chr12:132,668,421, G>T on the plus strand (C>A on the coding strand, the complement: POLE is on the minus strand). VCF-style: chr12-132668421-G-T. GRCh37 (hg19) VCF-style: chr12-133245007-G-T.
Other names: short protein forms P703Q.
Identifiers: ClinVar variation 1443274 (VCV001443274.10), dbSNP rs2135975300, ClinGen allele CA387353923.